The following is an entry in ClinVar:

NM_000391.4(TPP1):c.1266+1G>T

Gene: TPP1 (tripeptidyl peptidase 1; minus strand). Cytogenetic location: 11p15.4.
Variant type: single nucleotide variant.
Coding change: c.1266+1G>T on transcript NM_000391.4 (MANE Select); the canonical splice donor site of the intron after coding-DNA position 1266, G replaced by T.
Molecular consequence: splice donor variant.
Genome position (GRCh38, 1-based): chr11:6,615,441, C>A on the plus strand (G>T on the coding strand, the complement: TPP1 is on the minus strand). VCF-style: chr11-6615441-C-A. GRCh37 (hg19) VCF-style: chr11-6636672-C-A.
Identifiers: ClinVar variation 2819128 (VCV002819128.3), dbSNP rs2493796805, ClinGen allele CA379472853.
Genomic context (GRCh38, chr11:6,615,441, plus strand): 5'-CTGAACTGAGGATCCCCCATCCTCACTCTTACCCTGCATCCATCCACACAAACACACGTA[C>A]CTGGTATGAAGGCCGTGGGAACACATTGCTGAAGCCACCACCACTGATATAGTCAACAAT-3'

ClinVar aggregate classification (germline): Likely pathogenic (1 of 4 stars; one submission).

Submission:

Labcorp Genetics (formerly Invitae), Labcorp
Classification: Likely pathogenic. Last evaluated: 2022-12-14. Review status: criteria provided, single submitter. Criteria: Invitae Variant Classification Sherloc (09022015). Collection method: clinical testing. Allele origin: germline.
Comment: This variant has not been reported in the literature in individuals affected with TPP1-related conditions. In summary, the currently available evidence indicates that the variant is pathogenic, but additional data are needed to prove that conclusively. Therefore, this variant has been classified as Likely Pathogenic. Algorithms developed to predict the effect of sequence changes on RNA splicing suggest that this variant may disrupt the consensus splice site. This variant is not present in population databases (gnomAD no frequency). This sequence change affects a donor splice site in intron 10 of the TPP1 gene. It is expected to disrupt RNA splicing. Variants that disrupt the donor or acceptor splice site typically lead to a loss of protein function (PMID: 16199547), and loss-of-function variants in TPP1 are known to be pathogenic (PMID: 10330339).

Literature cited by the submitters: PubMed 16199547; PubMed 10330339.